The following is an entry in ClinVar:

NM_001128929.3(ROBO2):c.42A>G (p.Thr14=)

Gene: ROBO2 (roundabout guidance receptor 2; plus strand). Cytogenetic location: 3p12.3.
Variant type: single nucleotide variant.
Coding change: c.42A>G on transcript NM_001128929.3; coding-DNA position 42, A replaced by G.
Protein change: p.Thr14=; no amino-acid change (threonine 14 retained).
Molecular consequence: synonymous variant.
Genome position (GRCh38, 1-based): chr3:75,937,535, A>G. VCF-style: chr3-75937535-A-G. GRCh37 (hg19) VCF-style: chr3-75986686-A-G.
Other names: c.42A>G, p.Thr14= (NM_001378190.1, NM_001378191.1, NM_001378195.1 and 4 more transcripts).
Identifiers: ClinVar variation 3059790 (VCV003059790.2), dbSNP rs62269817, ClinGen allele CA77722763.

ClinVar aggregate classification (germline): Benign (0 of 4 stars; one submission).

Conditions:
ROBO2-related disorder. Also called: ROBO2-related condition.

Allele frequency attached by ClinVar (database versions not stated): gnomAD exomes 0.00001; TOPMed below 0.00001; ExAC 0.50004.
gnomAD v4.1: 8 of 1,578,970 alleles (0.00051%); highest among the groups gnomAD compares: Non-Finnish European, 0.00068%; no homozygotes.

Submission:

PreventionGenetics, part of Exact Sciences
Classification: Benign for ROBO2-related condition. Last evaluated: 2020-11-18. Review status: no assertion criteria provided. Collection method: clinical testing. Allele origin: germline.
Comment: This variant is classified as benign based on ACMG/AMP sequence variant interpretation guidelines (Richards et al. 2015 PMID: 25741868, with internal and published modifications).